The following is an entry in ClinVar:

NM_000275.3(OCA2):c.506C>T (p.Ser169Phe)

Gene: OCA2 (OCA2 melanosomal transmembrane protein; minus strand). Cytogenetic location: 15q13.1.
Variant type: single nucleotide variant.
Coding change: c.506C>T on transcript NM_000275.3 (MANE Select); coding-DNA position 506, C replaced by T.
Protein change: p.Ser169Phe; replaces serine 169 with phenylalanine.
Molecular consequence: missense variant.
Genome position (GRCh38, 1-based): chr15:28,027,880, G>A on the plus strand (C>T on the coding strand, the complement: OCA2 is on the minus strand). VCF-style: chr15-28027880-G-A. GRCh37 (hg19) VCF-style: chr15-28273026-G-A.
Other names: c.506C>T, p.Ser169Phe (NM_001300984.2); short protein forms S169F.
Identifiers: ClinVar variation 1385790 (VCV001385790.3), dbSNP rs1188916762, ClinGen allele CA391361766.

ClinVar aggregate classification (germline): Uncertain significance (1 of 4 stars; one submission).

Allele frequency attached by ClinVar (database versions not stated): gnomAD exomes below 0.00001; gnomAD 0.00001.
gnomAD v4.1: 4 of 1,612,878 alleles (0.00025%); highest among the groups gnomAD compares: Non-Finnish European, 0.00034%; no homozygotes.

Submission:

Labcorp Genetics (formerly Invitae), Labcorp
Classification: Uncertain significance. Last evaluated: 2022-02-24. Review status: criteria provided, single submitter. Criteria: Invitae Variant Classification Sherloc (09022015). Collection method: clinical testing. Allele origin: germline.
Comment: This sequence change replaces serine, which is neutral and polar, with phenylalanine, which is neutral and non-polar, at codon 169 of the OCA2 protein (p.Ser169Phe). This variant is present in population databases (no rsID available, gnomAD 0.007%). This variant has not been reported in the literature in individuals affected with OCA2-related conditions. Advanced modeling of protein sequence and biophysical properties (such as structural, functional, and spatial information, amino acid conservation, physicochemical variation, residue mobility, and thermodynamic stability) performed at Invitae indicates that this missense variant is not expected to disrupt OCA2 protein function. In summary, the available evidence is currently insufficient to determine the role of this variant in disease. Therefore, it has been classified as a Variant of Uncertain Significance.